The following is an entry in ClinVar:

NM_016507.4(CDK12):c.1265G>C (p.Gly422Ala)

Gene: CDK12 (cyclin dependent kinase 12; plus strand). Cytogenetic location: 17q12.
Variant type: single nucleotide variant.
Coding change: c.1265G>C on transcript NM_016507.4 (MANE Select); coding-DNA position 1265, G replaced by C.
Protein change: p.Gly422Ala; replaces glycine 422 with alanine.
Molecular consequence: missense variant.
Genome position (GRCh38, 1-based): chr17:39,471,097, G>C. VCF-style: chr17-39471097-G-C. GRCh37 (hg19) VCF-style: chr17-37627350-G-C.
Other names: c.1265G>C, p.Gly422Ala (NM_015083.4); short protein forms G422A.
Identifiers: ClinVar variation 4651421 (VCV004651421.1).

ClinVar aggregate classification (germline): Uncertain significance (1 of 4 stars; one submission).

Submission:

Ambry Genetics
Classification: Uncertain significance. Last evaluated: 2025-11-01. Review status: criteria provided, single submitter. Criteria: Ambry Variant Classification Scheme 2023. Collection method: clinical testing. Allele origin: germline.
Comment: The p.G422A variant (also known as c.1265G>C), located in coding exon 2 of the CDK12 gene, results from a G to C substitution at nucleotide position 1265. The glycine at codon 422 is replaced by alanine, an amino acid with similar properties. This amino acid position is conserved. In addition, this alteration is predicted to be tolerated by in silico analysis. Based on the available evidence, the clinical significance of this variant remains unclear.